The following is an entry in ClinVar:

NM_001081.4(CUBN):c.7145_7146del (p.Asp2381_Phe2382insTer)

Gene: CUBN (cubilin; minus strand). Cytogenetic location: 10p13.
Variant type: Deletion.
Coding change: c.7145_7146del on transcript NM_001081.4 (MANE Select); coding-DNA positions 7145 to 7146, 2 bases deleted (TT; older notation c.7145_7146delTT).
Protein change: p.Asp2381_Phe2382insTer.
Molecular consequence: nonsense.
Genome position (GRCh38, 1-based): chr10:16,915,885-16,915,886, AA deleted on the plus strand (TT on the coding strand, the reverse complement: CUBN is on the minus strand); deleting any 2 consecutive bases within chr10:16,915,885-16,915,887 gives the same sequence; the c. name uses the placement nearest the transcript's 3' end. VCF-style (leftmost placement, unchanged base first): chr10-16915884-TAA-T. GRCh37 (hg19) VCF-style: chr10-16957883-TAA-T.
Identifiers: ClinVar variation 2793997 (VCV002793997.3), dbSNP rs2491434471, ClinGen allele CA2739265312.

ClinVar aggregate classification (germline): Pathogenic (1 of 4 stars; one submission).

Conditions:
Imerslund-Grasbeck syndrome. Also called: ENTEROCYTE COBALAMIN MALABSORPTION; ENTEROCYTE INTRINSIC FACTOR RECEPTOR, DEFECT OF; Imerslund-Gräsbeck syndrome; PERNICIOUS ANEMIA, JUVENILE, DUE TO SELECTIVE INTESTINAL MALABSORPTION OF VITAMIN B12, WITH PROTEINURIA; Megaloblastic anemia due to inborn errors of metabolism. Identifiers: Orphanet 35858, MedGen C4551825, MONDO:0009853.

Submission:

Labcorp Genetics (formerly Invitae), Labcorp
Classification: Pathogenic for Imerslund-Grasbeck syndrome. Last evaluated: 2023-01-31. Review status: criteria provided, single submitter. Criteria: Invitae Variant Classification Sherloc (09022015). Collection method: clinical testing. Allele origin: germline.
Comment: For these reasons, this variant has been classified as Pathogenic. This variant has not been reported in the literature in individuals affected with CUBN-related conditions. This variant is not present in population databases (gnomAD no frequency). This sequence change creates a premature translational stop signal (p.Phe2382*) in the CUBN gene. It is expected to result in an absent or disrupted protein product. Loss-of-function variants in CUBN are known to be pathogenic (PMID: 15024727, 22929189, 25349199, 34979989).

Literature cited by the submitters: PubMed 15024727; PubMed 22929189; PubMed 25349199; PubMed 34979989.